The following is an entry in ClinVar:

NM_005050.4(ABCD4):c.18C>A (p.Pro6=)

Gene: ABCD4 (ATP binding cassette subfamily D member 4; minus strand). Cytogenetic location: 14q24.3.
Variant type: single nucleotide variant.
Coding change: c.18C>A on transcript NM_005050.4 (MANE Select); coding-DNA position 18, C replaced by A.
Protein change: p.Pro6=; no amino-acid change (proline 6 retained).
Molecular consequence: synonymous variant. On other transcripts: 5 prime UTR variant (19), non-coding transcript variant (10).
Genome position (GRCh38, 1-based): chr14:74,302,895, G>T on the plus strand (C>A on the coding strand, the complement: ABCD4 is on the minus strand). VCF-style: chr14-74302895-G-T. GRCh37 (hg19) VCF-style: chr14-74769598-G-T.
Other names: c.18C>A, p.Pro6= (NM_001353591.2, NM_001353592.2, NM_020323.1 and 1 more transcripts); c.-125C>A (NM_001353593.2, NM_001353594.2); c.-392C>A (NM_001353595.2); c.-264C>A (NM_001353596.2, NM_001353597.2); c.-213C>A (NM_001353598.2); c.-320C>A (NM_001353599.2, NM_020324.3); c.-332C>A (NM_001353600.2); c.-192C>A (NM_001353601.2); and 6 more.
Identifiers: ClinVar variation 3053086 (VCV003053086.2), dbSNP rs767735716, ClinGen allele CA7267370.

ClinVar aggregate classification (germline): Likely benign (0 of 4 stars; one submission).

Conditions:
ABCD4-related disorder. Also called: ABCD4-related condition.

Allele frequency attached by ClinVar (database versions not stated): ExAC 0.00001.
gnomAD v4.1: 28 of 1,606,886 alleles (0.0017%); highest among the groups gnomAD compares: Non-Finnish European, 0.0024%; no homozygotes.

Submission:

PreventionGenetics, part of Exact Sciences
Classification: Likely benign for ABCD4-related condition. Last evaluated: 2019-08-14. Review status: no assertion criteria provided. Collection method: clinical testing. Allele origin: germline.
Comment: This variant is classified as likely benign based on ACMG/AMP sequence variant interpretation guidelines (Richards et al. 2015 PMID: 25741868, with internal and published modifications).